The following is an entry in ClinVar:

NM_003801.4(GPAA1):c.1325A>G (p.Tyr442Cys)

Gene: GPAA1 (glycosylphosphatidylinositol anchor attachment 1; plus strand). Cytogenetic location: 8q24.3.
Variant type: single nucleotide variant.
Coding change: c.1325A>G on transcript NM_003801.4 (MANE Select); coding-DNA position 1325, A replaced by G.
Protein change: p.Tyr442Cys; replaces tyrosine 442 with cysteine.
Molecular consequence: missense variant.
Genome position (GRCh38, 1-based): chr8:144,085,353, A>G. VCF-style: chr8-144085353-A-G. GRCh37 (hg19) VCF-style: chr8-145140256-A-G.
Other names: short protein forms Y442C.
Identifiers: ClinVar variation 1990407 (VCV001990407.1), dbSNP rs373624821, ClinGen allele CA4933141.

ClinVar aggregate classification (germline): Uncertain significance (1 of 4 stars; one submission).

Allele frequency attached by ClinVar (database versions not stated): gnomAD exomes 0.00001; gnomAD 0.00002; TOPMed 0.00002; ExAC 0.00003; ESP Exome Variant Server 0.00008.

Submission:

Labcorp Genetics (formerly Invitae), Labcorp
Classification: Uncertain significance. Last evaluated: 2022-05-08. Review status: criteria provided, single submitter. Criteria: Invitae Variant Classification Sherloc (09022015). Collection method: clinical testing. Allele origin: germline.
Comment: This sequence change replaces tyrosine, which is neutral and polar, with cysteine, which is neutral and slightly polar, at codon 442 of the GPAA1 protein (p.Tyr442Cys). This variant is present in population databases (rs373624821, gnomAD 0.008%). This variant has not been reported in the literature in individuals affected with GPAA1-related conditions. Algorithms developed to predict the effect of missense changes on protein structure and function are either unavailable or do not agree on the potential impact of this missense change (SIFT: "Deleterious"; PolyPhen-2: "Probably Damaging"; Align-GVGD: "Class C0"). In summary, the available evidence is currently insufficient to determine the role of this variant in disease. Therefore, it has been classified as a Variant of Uncertain Significance.